The following is an entry in ClinVar:

NM_005554.4(KRT6A):c.1387G>C (p.Ala463Pro)

Gene: KRT6A (keratin 6A; minus strand). Cytogenetic location: 12q13.13.
Variant type: single nucleotide variant.
Coding change: c.1387G>C on transcript NM_005554.4 (MANE Select); coding-DNA position 1387, G replaced by C.
Protein change: p.Ala463Pro; replaces alanine 463 with proline.
Molecular consequence: missense variant.
Genome position (GRCh38, 1-based): chr12:52,488,365, C>G on the plus strand (G>C on the coding strand, the complement: KRT6A is on the minus strand). VCF-style: chr12-52488365-C-G. GRCh37 (hg19) VCF-style: chr12-52882149-C-G.
Other names: short protein forms A463P.
Identifiers: ClinVar variation 66570 (VCV000066570.5), dbSNP rs267607462, ClinGen allele CA217333.

ClinVar aggregate classification (germline): Pathogenic. Review status: criteria provided, single submitter (1 of 4 stars). 2 submissions from 2 submitters: Pathogenic (1). 1 of the submissions does not count toward it. Last evaluated 2023-01-24.

Submissions (2):

GeneDx
Classification: Pathogenic. Last evaluated: 2023-01-24. Review status: criteria provided, single submitter. Criteria: GeneDx Variant Classification Process June 2021. Collection method: clinical testing. Allele origin: germline. Affected: yes.
Comment: Not observed at significant frequency in large population cohorts (gnomAD); In silico analysis supports that this missense variant has a deleterious effect on protein structure/function; This variant is associated with the following publications: (PMID: 31823354, 34116063, 19416275, 24611874)

Epithelial Biology;  Institute of Medical Biology, Singapore
No classification provided. Review status: no classification provided. Collection method: not provided. Allele origin: not provided. Not counted in ClinVar's aggregate classification.